The following is an entry in ClinVar:

ClinVar aggregate classification (germline): Uncertain significance (1 of 4 stars; one submission).

Submission:

Laboratorio de Genetica e Diagnostico Molecular, Hospital Israelita Albert Einstein
Classification: Uncertain significance. Last evaluated: 2022-02-22. Review status: criteria provided, single submitter. Criteria: ACMG Guidelines, 2015. Collection method: clinical testing. Allele origin: germline. Affected: yes.
Comment: ACMG classification criteria: PM2, BP4

NM_197968.4(ZMYM2):c.3451G>C (p.Glu1151Gln)

Gene: ZMYM2 (zinc finger MYM-type containing 2; plus strand). Cytogenetic location: 13q12.11.
Variant type: single nucleotide variant.
Coding change: c.3451G>C on transcript NM_197968.4 (MANE Select); coding-DNA position 3451, G replaced by C.
Protein change: p.Glu1151Gln; replaces glutamic acid 1151 with glutamine.
Molecular consequence: missense variant. On other transcripts: non-coding transcript variant (1).
Genome position (GRCh38, 1-based): chr13:20,067,388, G>C. VCF-style: chr13-20067388-G-C. GRCh37 (hg19) VCF-style: chr13-20641528-G-C.
Other names: c.3451G>C, p.Glu1151Gln (NM_001190964.4, NM_001190965.4, NM_001353157.2 and 5 more transcripts); c.3256G>C, p.Glu1086Gln (NM_001353161.3); c.3190G>C, p.Glu1064Gln (NM_001353163.2); short protein forms E1064Q, E1086Q, E1151Q.
Identifiers: ClinVar variation 1690572 (VCV001690572.2), dbSNP rs2140889106, ClinGen allele CA387467865.